The following is an entry in ClinVar:

ClinVar aggregate classification (germline): Uncertain significance (1 of 4 stars; one submission).

Submission:

Labcorp Genetics (formerly Invitae), Labcorp
Classification: Uncertain significance. Last evaluated: 2025-12-31. Review status: criteria provided, single submitter. Criteria: Invitae Variant Classification Sherloc (09022015). Collection method: clinical testing. Allele origin: germline.
Comment: This sequence change replaces valine, which is neutral and non-polar, with leucine, which is neutral and non-polar, at codon 351 of the TUBB1 protein (p.Val351Leu). This variant is not present in population databases (gnomAD no frequency). This variant has not been reported in the literature in individuals affected with TUBB1-related conditions. Invitae Evidence Modeling of protein sequence and biophysical properties (such as structural, functional, and spatial information, amino acid conservation, physicochemical variation, residue mobility, and thermodynamic stability) indicates that this missense variant is not expected to disrupt TUBB1 protein function with a negative predictive value of 80%. In summary, the available evidence is currently insufficient to determine the role of this variant in disease. Therefore, it has been classified as a Variant of Uncertain Significance.

NM_030773.4(TUBB1):c.1051G>C (p.Val351Leu)

Gene: TUBB1 (tubulin beta 1 class VI; plus strand). Cytogenetic location: 20q13.32.
Variant type: single nucleotide variant.
Coding change: c.1051G>C on transcript NM_030773.4 (MANE Select); coding-DNA position 1051, G replaced by C.
Protein change: p.Val351Leu; replaces valine 351 with leucine.
Molecular consequence: missense variant.
Genome position (GRCh38, 1-based): chr20:59,024,478, G>C. VCF-style: chr20-59024478-G-C. GRCh37 (hg19) VCF-style: chr20-57599533-G-C.
Other names: short protein forms V351L.
Identifiers: ClinVar variation 4744425 (VCV004744425.1).